The following is an entry in ClinVar:

NM_005188.4(CBL):c.1364A>G (p.Tyr455Cys)

Gene: CBL (Cbl proto-oncogene; plus strand). Cytogenetic location: 11q23.3.
Variant type: single nucleotide variant.
Coding change: c.1364A>G on transcript NM_005188.4 (MANE Select); coding-DNA position 1364, A replaced by G.
Protein change: p.Tyr455Cys; replaces tyrosine 455 with cysteine.
Molecular consequence: missense variant.
Genome position (GRCh38, 1-based): chr11:119,278,646, A>G. VCF-style: chr11-119278646-A-G. GRCh37 (hg19) VCF-style: chr11-119149356-A-G.
Other names: short protein forms Y455C.
Identifiers: ClinVar variation 571011 (VCV000571011.8), dbSNP rs1565872426, ClinGen allele CA382914527.

ClinVar aggregate classification (germline): Uncertain significance (1 of 4 stars; one submission).

Conditions:
RASopathy. Also called: rasopathies; Noonan spectrum disorder. Identifiers: Orphanet 536391, MedGen C5555857, MONDO:0021060.

Allele frequency attached by ClinVar (database versions not stated): TOPMed below 0.00001; gnomAD 0.00001; gnomAD exomes below 0.00001.
gnomAD v4.1: 4 of 1,577,852 alleles (0.00025%); highest among the groups gnomAD compares: Non-Finnish European, 0.00026%; no homozygotes.

Submission:

Labcorp Genetics (formerly Invitae), Labcorp
Classification: Uncertain significance for RASopathy. Last evaluated: 2024-02-14. Review status: criteria provided, single submitter. Criteria: Invitae Variant Classification Sherloc (09022015). Collection method: clinical testing. Allele origin: germline.
Comment: This sequence change replaces tyrosine, which is neutral and polar, with cysteine, which is neutral and slightly polar, at codon 455 of the CBL protein (p.Tyr455Cys). This variant is not present in population databases (gnomAD no frequency). This variant has not been reported in the literature in individuals affected with CBL-related conditions. ClinVar contains an entry for this variant (Variation ID: 571011). Advanced modeling of protein sequence and biophysical properties (such as structural, functional, and spatial information, amino acid conservation, physicochemical variation, residue mobility, and thermodynamic stability) performed at Invitae indicates that this missense variant is not expected to disrupt CBL protein function with a negative predictive value of 95%. In summary, the available evidence is currently insufficient to determine the role of this variant in disease. Therefore, it has been classified as a Variant of Uncertain Significance.